The following is an entry in ClinVar:

ClinVar aggregate classification (germline): Likely benign (1 of 4 stars; one submission).

Submission:

CeGaT Center for Human Genetics Tuebingen
Classification: Likely benign. Last evaluated: 2026-06-01. Review status: criteria provided, single submitter. Criteria: CeGaT Center For Human Genetics Tuebingen Variant Classification Criteria Version 2. Collection method: clinical testing. Allele origin: germline. Affected: yes. Observed: 1 variant allele.
Comment: AK9: BP4, BS2

NM_001145128.3(AK9):c.4279+4_4279+7dup

Gene: AK9 (adenylate kinase 9; minus strand). Cytogenetic location: 6q21.
Variant type: Duplication.
Coding change: c.4279+4_4279+7dup on transcript NM_001145128.3 (MANE Select); bases 4 to 7 of the intron after coding-DNA position 4279, 4 bases duplicated (AGCG; older notation c.4279+4_4279+7dupAGCG).
Molecular consequence: intron variant.
Genome position (GRCh38, 1-based): chr6:109,514,217-109,514,220, CGCT duplicated on the plus strand (AGCG on the coding strand, the reverse complement: AK9 is on the minus strand); duplicating any 4 consecutive bases within chr6:109,514,217-109,514,221 gives the same sequence; the c. name uses the placement nearest the transcript's 3' end. VCF-style (leftmost placement, unchanged base first): chr6-109514216-A-ACGCT. GRCh37 (hg19) VCF-style: chr6-109835419-A-ACGCT.
Identifiers: ClinVar variation 4871918 (VCV004871918.2).